The following is an entry in ClinVar:

NM_024675.4(PALB2):c.2014G>T (p.Glu672Ter)

Gene: PALB2 (partner and localizer of BRCA2; minus strand). Cytogenetic location: 16p12.2.
Variant type: single nucleotide variant.
Coding change: c.2014G>T on transcript NM_024675.4 (MANE Select); coding-DNA position 2014, G replaced by T.
Protein change: p.Glu672Ter; replaces glutamic acid 672 with a stop codon.
Molecular consequence: nonsense.
Genome position (GRCh38, 1-based): chr16:23,630,140, C>A on the plus strand (G>T on the coding strand, the complement: PALB2 is on the minus strand). VCF-style: chr16-23630140-C-A. GRCh37 (hg19) VCF-style: chr16-23641461-C-A.
Other names: short protein forms E672*.
Identifiers: ClinVar variation 1445586 (VCV001445586.7), dbSNP rs45532440, ClinGen allele CA395127066.

ClinVar aggregate classification (germline): Pathogenic (1 of 4 stars; one submission).

Conditions:
Familial cancer of breast. Also called: hereditary breast carcinoma; Hereditary breast cancer; BREAST CANCER, FAMILIAL. Identifiers: Orphanet 227535, MedGen C0346153, MONDO:0016419, OMIM 114480. Disease mechanism: loss of function.

Submission:

Labcorp Genetics (formerly Invitae), Labcorp
Classification: Pathogenic for Familial cancer of breast. Last evaluated: 2021-12-12. Review status: criteria provided, single submitter. Criteria: Invitae Variant Classification Sherloc (09022015). Collection method: clinical testing. Allele origin: germline.
Comment: For these reasons, this variant has been classified as Pathogenic. This variant has not been reported in the literature in individuals affected with PALB2-related conditions. This variant is not present in population databases (gnomAD no frequency). This sequence change creates a premature translational stop signal (p.Glu672*) in the PALB2 gene. It is expected to result in an absent or disrupted protein product. Loss-of-function variants in PALB2 are known to be pathogenic (PMID: 17200668, 17200671, 17200672, 24136930, 25099575).

Literature cited by the submitters: PubMed 17200668; PubMed 17200671; PubMed 17200672; PubMed 24136930; PubMed 25099575.